The following is an entry in ClinVar:

ClinVar aggregate classification (germline): Conflicting classifications of pathogenicity. Review status: criteria provided, conflicting classifications (1 of 4 stars). 5 submissions from 5 submitters: Likely pathogenic (4); Uncertain significance (1). Last evaluated 2025-06-24.

Conditions:
Bardet-Biedl syndrome 4 (BBS4). Identifiers: Orphanet 110, MedGen C2936864, MONDO:0014433, OMIM 615982.
Bardet-Biedl syndrome (BBS). Identifiers: Orphanet 110, MedGen C0752166, MONDO:0015229.
BBS4-related disorder. Also called: BBS4-related condition.

Allele frequency attached by ClinVar (database versions not stated): gnomAD exomes below 0.00001 and 0.00001; ExAC 0.00001; gnomAD 0.00001.
gnomAD v4.1: 6 of 1,613,036 alleles (0.00037%); highest among the groups gnomAD compares: African/African-American, 0.0027%; no homozygotes.

Submissions (5):

PreventionGenetics, part of Exact Sciences
Classification: Likely pathogenic for BBS4-related condition. Last evaluated: 2025-06-24. Review status: criteria provided, single submitter. Criteria: ACMG Guidelines, 2015. Collection method: clinical testing. Allele origin: germline.
Comment: The BBS4 c.1103A>G variant is predicted to result in the amino acid substitution p.Asp368Gly. This variant has been reported in the homozygous state in at least two individuals with Bardet-Biedl syndrome (described as D348G in Karmous-Benailly et al. 2005. PubMed ID: 15666242; Table S1, Nasser et al. 2022. PubMed ID: 35886001). An in vitro study suggests this variant may impact BBS4's interaction with BBS18 (Woodsmith et al. 2017. PubMed ID: 29039417). This variant is reported in 0.012% of alleles in individuals of African descent in gnomAD. This variant is interpreted as likely pathogenic.

Fulgent Genetics
Classification: Likely pathogenic for Bardet-Biedl syndrome 4. Last evaluated: 2024-02-05. Review status: criteria provided, single submitter. Criteria: ACMG Guidelines, 2015. Collection method: clinical testing. Allele origin: germline.

Labcorp Genetics (formerly Invitae), Labcorp
Classification: Likely pathogenic for Bardet-Biedl syndrome. Last evaluated: 2024-01-22. Review status: criteria provided, single submitter. Criteria: Invitae Variant Classification Sherloc (09022015). Collection method: clinical testing. Allele origin: germline.
Comment: This sequence change replaces aspartic acid, which is acidic and polar, with glycine, which is neutral and non-polar, at codon 368 of the BBS4 protein (p.Asp368Gly). This variant is present in population databases (rs772548770, gnomAD 0.01%). This missense change has been observed in individuals with clinical features of Bardet Biedl syndrome (PMID: 15666242, 32531858, 35886001). ClinVar contains an entry for this variant (Variation ID: 631741). Advanced modeling of protein sequence and biophysical properties (such as structural, functional, and spatial information, amino acid conservation, physicochemical variation, residue mobility, and thermodynamic stability) performed at Invitae indicates that this missense variant is not expected to disrupt BBS4 protein function with a negative predictive value of 80%. Experimental studies are conflicting or provide insufficient evidence to determine the effect of this variant on BBS4 function (PMID: 29039417). Algorithms developed to predict the effect of sequence changes on RNA splicing suggest that this variant may disrupt the consensus splice site. In summary, the currently available evidence indicates that the variant is pathogenic, but additional data are needed to prove that conclusively. Therefore, this variant has been classified as Likely Pathogenic.

Baylor Genetics
Classification: Likely pathogenic for Bardet-Biedl syndrome 4. Last evaluated: 2023-12-01. Review status: criteria provided, single submitter. Criteria: ACMG Guidelines, 2015. Collection method: clinical testing. Allele origin: unknown.

CeGaT Center for Human Genetics Tuebingen
Classification: Uncertain significance. Last evaluated: 2023-03-01. Review status: criteria provided, single submitter. Criteria: CeGaT Center For Human Genetics Tuebingen Variant Classification Criteria Version 2. Collection method: clinical testing. Allele origin: germline. Affected: yes. Observed: 1 variant allele.
Comment: BBS4: PM2, PM3, PP3

Literature cited by the submitters: PubMed 15666242 (cited by Labcorp Genetics (formerly Invitae), Labcorp); PubMed 32531858 (cited by Labcorp Genetics (formerly Invitae), Labcorp); PubMed 35886001 (cited by Labcorp Genetics (formerly Invitae), Labcorp); PubMed 29039417 (cited by Labcorp Genetics (formerly Invitae), Labcorp).

NM_033028.5(BBS4):c.1103A>G (p.Asp368Gly)

Gene: BBS4 (Bardet-Biedl syndrome 4; plus strand). Cytogenetic location: 15q24.1.
Variant type: single nucleotide variant.
Coding change: c.1103A>G on transcript NM_033028.5 (MANE Select); coding-DNA position 1103, A replaced by G.
Protein change: p.Asp368Gly; replaces aspartic acid 368 with glycine.
Molecular consequence: missense variant. On other transcripts: non-coding transcript variant (2).
Genome position (GRCh38, 1-based): chr15:72,735,179, A>G. VCF-style: chr15-72735179-A-G. GRCh37 (hg19) VCF-style: chr15-73027520-A-G.
Other names: c.587A>G, p.Asp196Gly (NM_001252678.2); c.1034A>G, p.Asp345Gly (NM_001320665.2); short protein forms D368G, D345G, D196G.
Identifiers: ClinVar variation 631741 (VCV000631741.34), dbSNP rs772548770, ClinGen allele CA7646887.